The following is an entry in ClinVar:

NM_000268.4(NF2):c.1663G>C (p.Glu555Gln)

Gene: NF2 (NF2, moesin-ezrin-radixin like (MERLIN) tumor suppressor; plus strand). Cytogenetic location: 22q12.2.
Variant type: single nucleotide variant.
Coding change: c.1663G>C on transcript NM_000268.4 (MANE Select); coding-DNA position 1663, G replaced by C.
Protein change: p.Glu555Gln; replaces glutamic acid 555 with glutamine.
Molecular consequence: missense variant. On other transcripts: intron variant (3).
Genome position (GRCh38, 1-based): chr22:29,681,527, G>C. VCF-style: chr22-29681527-G-C. GRCh37 (hg19) VCF-style: chr22-30077516-G-C.
Other names: c.1549G>C, p.Glu517Gln (NM_001407053.1, NM_001407056.1); c.1540G>C, p.Glu514Gln (NM_001407054.1, NM_001407058.1, NM_181829.3); c.1537G>C, p.Glu513Gln (NM_001407055.1, NM_181828.3); c.1528G>C, p.Glu510Gln (NM_001407057.1, NM_001407059.1); c.1405G>C, p.Glu469Gln (NM_001407062.1); c.1414G>C, p.Glu472Gln (NM_001407063.1, NM_181830.3, NM_181831.3); c.1129G>C, p.Glu377Gln (NM_001407065.1); c.1663G>C, p.Glu555Gln (NM_001407066.1, NM_016418.5, NM_181825.3 and 1 more transcripts); and 4 more; short protein forms E469Q, E472Q, E517Q, E555Q, E377Q, E478Q, E510Q, E513Q.
Identifiers: ClinVar variation 2568047 (VCV002568047.2), dbSNP rs2518735368, ClinGen allele CA411150247.

ClinVar aggregate classification (germline): Uncertain significance (1 of 4 stars; one submission).

Conditions:
Hereditary cancer-predisposing syndrome. Also called: Hereditary neoplastic syndrome; Hereditary Cancer Syndrome; Neoplastic Syndromes, Hereditary; Tumor predisposition. Identifiers: Orphanet 140162, MedGen C0027672, MeSH D009386, MONDO:0015356.

Allele frequency attached by ClinVar (database versions not stated): gnomAD exomes below 0.00001.
gnomAD v4.1: 1 of 1,614,174 alleles (0.000062%); highest among the groups gnomAD compares: Non-Finnish European, 0.000085%; no homozygotes.

Submission:

Ambry Genetics
Classification: Uncertain significance for Hereditary cancer-predisposing syndrome. Last evaluated: 2023-04-27. Review status: criteria provided, single submitter. Criteria: Ambry Variant Classification Scheme 2023. Collection method: clinical testing. Allele origin: germline.
Comment: The p.E555Q variant (also known as c.1663G>C), located in coding exon 15 of the NF2 gene, results from a G to C substitution at nucleotide position 1663. The glutamic acid at codon 555 is replaced by glutamine, an amino acid with highly similar properties. This amino acid position is conserved. In addition, the in silico prediction for this alteration is inconclusive. Since supporting evidence is limited at this time, the clinical significance of this alteration remains unclear.